The following is an entry in ClinVar:

NM_000059.4(BRCA2):c.674C>T (p.Thr225Ile)

Gene: BRCA2 (BRCA2 DNA repair associated; plus strand). Cytogenetic location: 13q13.1.
Variant type: single nucleotide variant.
Coding change: c.674C>T on transcript NM_000059.4 (MANE Select); coding-DNA position 674, C replaced by T.
Protein change: p.Thr225Ile; replaces threonine 225 with isoleucine.
Molecular consequence: missense variant.
Genome position (GRCh38, 1-based): chr13:32,329,485, C>T. VCF-style: chr13-32329485-C-T. GRCh37 (hg19) VCF-style: chr13-32903622-C-T.
Other names: short protein forms T225I.
Identifiers: ClinVar variation 489776 (VCV000489776.7), dbSNP rs1555281361, ClinGen allele CA387759512.

ClinVar aggregate classification (germline): Uncertain significance. Review status: criteria provided, multiple submitters, no conflicts (2 of 4 stars). 3 submissions from 3 submitters: Uncertain significance (2). 1 of the submissions does not count toward it. Last evaluated 2025-05-13.

Conditions:
Malignant tumor of breast. Also called: Malignant breast neoplasm; Cancer breast. Identifiers: MedGen C0006142, MONDO:0007254. Disease mechanism: loss of function.
Hereditary cancer-predisposing syndrome. Also called: Hereditary Cancer Syndrome; Neoplastic Syndromes, Hereditary; Tumor predisposition; Hereditary neoplastic syndrome. Identifiers: Orphanet 140162, MedGen C0027672, MeSH D009386, MONDO:0015356.

gnomAD v4.1: 1 of 1,596,628 alleles (0.000063%); highest among the groups gnomAD compares: Non-Finnish European, 0.000086%; no homozygotes.

Submissions (3):

Ambry Genetics
Classification: Uncertain significance for Hereditary cancer-predisposing syndrome. Last evaluated: 2025-05-13. Review status: criteria provided, single submitter. Criteria: Ambry Variant Classification Scheme 2023. Collection method: clinical testing. Allele origin: germline.
Comment: The p.T225I variant (also known as c.674C>T), located in coding exon 7 of the BRCA2 gene, results from a C to T substitution at nucleotide position 674. The threonine at codon 225 is replaced by isoleucine, an amino acid with similar properties. This amino acid position is not well conserved in available vertebrate species. In addition, this alteration is predicted to be tolerated by in silico analysis. Based on the available evidence, the clinical significance of this variant remains unclear.

Color Diagnostics, LLC DBA Color Health
Classification: Uncertain significance for Hereditary cancer-predisposing syndrome. Last evaluated: 2019-04-02. Review status: criteria provided, single submitter. Criteria: ACMG Guidelines, 2015. Collection method: clinical testing. Allele origin: germline.

Department of Pathology and Laboratory Medicine, Sinai Health System
Classification: Uncertain significance for Malignant tumor of breast. Review status: no assertion criteria provided. Collection method: clinical testing. Allele origin: unknown. Affected: yes. Study: The Canadian Open Genetics Repository (COGR). Not counted in ClinVar's aggregate classification.
Comment: The BRCA2 p.Thr225Ile variant was not identified in the literature nor was it identified in the dbSNP, LOVD 3.0 and UMD-LSDB databases. The variant was identified in ClinVar (interpreted as "uncertain significance" by Color). The variant was not identified in the following control databases: the Exome Aggregation Consortium (August 8th 2016), or the Genome Aggregation Database (Feb 27, 2017). The p.Thr225 residue is not conserved in mammals and four out of five computational analyses (PolyPhen-2, SIFT, AlignGVGD, BLOSUM, MutationTaster) do not suggest a high likelihood of impact to the protein; however, this information is not predictive enough to rule out pathogenicity. The variant occurs outside of the splicing consensus sequence and in silico or computational prediction software programs (SpliceSiteFinder, MaxEntScan, NNSPLICE, GeneSplicer) do not predict a difference in splicing. In summary, based on the above information the clinical significance of this variant cannot be determined with certainty at this time. This variant is classified as a variant of uncertain significance.